The following is an entry in ClinVar:

NM_005267.5(GJA8):c.156C>G (p.Phe52Leu)

Gene: GJA8 (gap junction protein alpha 8; plus strand). Cytogenetic location: 1q21.2.
Variant type: single nucleotide variant.
Coding change: c.156C>G on transcript NM_005267.5 (MANE Select); coding-DNA position 156, C replaced by G.
Protein change: p.Phe52Leu; replaces phenylalanine 52 with leucine.
Molecular consequence: missense variant.
Genome position (GRCh38, 1-based): chr1:147,908,111, C>G. VCF-style: chr1-147908111-C-G. GRCh37 (hg19) VCF-style: chr1-147380238-C-G.
Other names: short protein forms F52L.
Identifiers: ClinVar variation 4799939 (VCV004799939.1).

ClinVar aggregate classification (germline): Likely pathogenic (1 of 4 stars; one submission).

Conditions:
Cataract 1 multiple types. Also called: CATARACT, DUFFY-LINKED; CATARACT 1, NUCLEAR PROGRESSIVE; CATARACT 1 WITH MICROCORNEA; CATARACT 1, POSTERIOR SUBCAPSULAR, WITH MICROCORNEA; CATARACT 1, STELLATE NUCLEAR, WITH MICROCORNEA; CATARACT 1, MULTIPLE TYPES, WITH OR WITHOUT MICROCORNEA. Identifiers: Orphanet 1377, MedGen C1861828, MONDO:0007285, OMIM 116200.

Submission:

Labcorp Genetics (formerly Invitae), Labcorp
Classification: Likely pathogenic for Cataract 1 multiple types. Last evaluated: 2025-02-20. Review status: criteria provided, single submitter. Criteria: Invitae Variant Classification Sherloc (09022015). Collection method: clinical testing. Allele origin: germline.
Comment: This sequence change replaces phenylalanine, which is neutral and non-polar, with leucine, which is neutral and non-polar, at codon 52 of the GJA8 protein (p.Phe52Leu). This variant is not present in population databases (gnomAD no frequency). This missense change has been observed in individual(s) with autosomal dominant congenital cataracts (PMID: 31842807; internal data). In at least one individual the variant was observed to be de novo. Invitae Evidence Modeling of protein sequence and biophysical properties (such as structural, functional, and spatial information, amino acid conservation, physicochemical variation, residue mobility, and thermodynamic stability) has been performed for this missense variant. However, the output from this modeling did not meet the statistical confidence thresholds required to predict the impact of this variant on GJA8 protein function. In summary, the currently available evidence indicates that the variant is pathogenic, but additional data are needed to prove that conclusively. Therefore, this variant has been classified as Likely Pathogenic.

Literature cited by the submitters: PubMed 31842807.